The following is an entry in ClinVar:

NM_001023.4(RPS20):c.52C>A (p.His18Asn)

Gene: RPS20 (ribosomal protein S20; minus strand). Cytogenetic location: 8q12.1.
Variant type: single nucleotide variant.
Coding change: c.52C>A on transcript NM_001023.4 (MANE Select); coding-DNA position 52, C replaced by A.
Protein change: p.His18Asn; replaces histidine 18 with asparagine.
Molecular consequence: missense variant.
Genome position (GRCh38, 1-based): chr8:56,074,111, G>T on the plus strand (C>A on the coding strand, the complement: RPS20 is on the minus strand). VCF-style: chr8-56074111-G-T. GRCh37 (hg19) VCF-style: chr8-56986670-G-T.
Other names: c.52C>A, p.His18Asn (NM_001146227.3); c.52C>A (NM_001023.3); short protein forms H18N.
Identifiers: ClinVar variation 3642567 (VCV003642567.3).

ClinVar aggregate classification (germline): Uncertain significance. Review status: criteria provided, multiple submitters, no conflicts (2 of 4 stars). 2 submissions from 2 submitters: Uncertain significance (2). Last evaluated 2026-09-03.

Submissions (2):

Ambry Genetics
Classification: Uncertain significance. Last evaluated: 2026-09-03. Review status: criteria provided, single submitter. Criteria: Ambry Variant Classification Scheme 2023. Collection method: clinical testing. Allele origin: germline.
Comment: The p.H18N variant (also known as c.52C>A), located in coding exon 2 of the RPS20 gene, results from a C to A substitution at nucleotide position 52. The histidine at codon 18 is replaced by asparagine, an amino acid with similar properties. This amino acid position is highly conserved in available vertebrate species. In addition, the in silico prediction for this alteration is inconclusive. Based on the available evidence, the clinical significance of this variant remains unclear.

Labcorp Genetics (formerly Invitae), Labcorp
Classification: Uncertain significance. Last evaluated: 2024-02-22. Review status: criteria provided, single submitter. Criteria: Invitae Variant Classification Sherloc (09022015). Collection method: clinical testing. Allele origin: germline.
Comment: This sequence change replaces histidine, which is basic and polar, with asparagine, which is neutral and polar, at codon 18 of the RPS20 protein (p.His18Asn). This variant is not present in population databases (gnomAD no frequency). This variant has not been reported in the literature in individuals affected with RPS20-related conditions. An algorithm developed to predict the effect of missense changes on protein structure and function (PolyPhen-2) suggests that this variant is likely to be tolerated. In summary, the available evidence is currently insufficient to determine the role of this variant in disease. Therefore, it has been classified as a Variant of Uncertain Significance.